The following is an entry in ClinVar:

ClinVar aggregate classification (germline): Uncertain significance (1 of 4 stars; one submission).

Allele frequency attached by ClinVar (database versions not stated): gnomAD exomes below 0.00001; gnomAD 0.00002; ESP Exome Variant Server 0.00008.
gnomAD v4.1: 4 of 1,614,038 alleles (0.00025%); highest among the groups gnomAD compares: African/African-American, 0.0053%; no homozygotes.

Submission:

Labcorp Genetics (formerly Invitae), Labcorp
Classification: Uncertain significance. Last evaluated: 2024-12-02. Review status: criteria provided, single submitter. Criteria: Invitae Variant Classification Sherloc (09022015). Collection method: clinical testing. Allele origin: germline.
Comment: This sequence change replaces lysine, which is basic and polar, with methionine, which is neutral and non-polar, at codon 200 of the EDN3 protein (p.Lys200Met). This variant is not present in population databases (gnomAD no frequency). This variant has not been reported in the literature in individuals affected with EDN3-related conditions. ClinVar contains an entry for this variant (Variation ID: 1469695). An algorithm developed to predict the effect of missense changes on protein structure and function (PolyPhen-2) suggests that this variant is likely to be disruptive. In summary, the available evidence is currently insufficient to determine the role of this variant in disease. Therefore, it has been classified as a Variant of Uncertain Significance.

NM_207034.3(EDN3):c.599A>T (p.Lys200Met)

Gene: EDN3 (endothelin 3; plus strand). Cytogenetic location: 20q13.32.
Variant type: single nucleotide variant.
Coding change: c.599A>T on transcript NM_207034.3 (MANE Select); coding-DNA position 599, A replaced by T.
Protein change: p.Lys200Met; replaces lysine 200 with methionine.
Molecular consequence: missense variant. On other transcripts: 3 prime UTR variant (1).
Genome position (GRCh38, 1-based): chr20:59,324,341, A>T. VCF-style: chr20-59324341-A-T. GRCh37 (hg19) VCF-style: chr20-57899396-A-T.
Other names: c.*6A>T (NM_001302455.2); c.553A>T, p.Arg185Trp (NM_001302456.2); c.634A>T, p.Arg212Trp (NM_207032.3); c.557A>T, p.Lys186Met (NM_207033.3); short protein forms K200M, R185W, R212W, K186M.
Identifiers: ClinVar variation 1469695 (VCV001469695.8), dbSNP rs145582774, ClinGen allele CA316926503.